The following is an entry in ClinVar:

ClinVar aggregate classification (germline): Likely pathogenic (1 of 4 stars; one submission).

Conditions:
Cardiac-urogenital syndrome (CUGS). Also called: MYRF-Related Cardiac Urogenital Syndrome. Identifiers: Orphanet 647811, MedGen C4748946, MONDO:0032653, OMIM 618280.

Submission:

3billion
Classification: Likely pathogenic for Cardiac-urogenital syndrome. Last evaluated: 2022-05-22. Review status: criteria provided, single submitter. Criteria: ACMG Guidelines, 2015. Collection method: clinical testing. Allele origin: germline. Affected: yes. Observed: 1 heterozygote.
Comment: The variant is not observed in the gnomAD v2.1.1 dataset. Stop-gained (nonsense): predicted to result in a loss or disruption of normal protein function through nonsense-mediated decay (NMD) or protein truncation. Multiple pathogenic variants are reported downstream of the variant. Therefore, this variant is classified as likely pathogenic according to the recommendation of ACMG/AMP guideline.

NM_001127392.3(MYRF):c.965G>A (p.Trp322Ter)

Gene: MYRF (myelin regulatory factor; plus strand). Cytogenetic location: 11q12.2.
Variant type: single nucleotide variant.
Coding change: c.965G>A on transcript NM_001127392.3 (MANE Select); coding-DNA position 965, G replaced by A.
Protein change: p.Trp322Ter; replaces tryptophan 322 with a stop codon.
Molecular consequence: nonsense.
Genome position (GRCh38, 1-based): chr11:61,771,724, G>A. VCF-style: chr11-61771724-G-A. GRCh37 (hg19) VCF-style: chr11-61539196-G-A.
Other names: c.938G>A, p.Trp313Ter (NM_013279.4); short protein forms W313*, W322*.
Identifiers: ClinVar variation 1687379 (VCV001687379.1), dbSNP rs2135791768, ClinGen allele CA380849430.